The following is an entry in ClinVar:

NM_005908.4(MANBA):c.1394A>G (p.Asn465Ser)

Gene: MANBA (mannosidase beta; minus strand). Cytogenetic location: 4q24.
Variant type: single nucleotide variant.
Coding change: c.1394A>G on transcript NM_005908.4 (MANE Select); coding-DNA position 1394, A replaced by G.
Protein change: p.Asn465Ser; replaces asparagine 465 with serine.
Molecular consequence: missense variant.
Genome position (GRCh38, 1-based): chr4:102,664,776, T>C on the plus strand (A>G on the coding strand, the complement: MANBA is on the minus strand). VCF-style: chr4-102664776-T-C. GRCh37 (hg19) VCF-style: chr4-103585933-T-C.
Other names: short protein forms N465S.
Identifiers: ClinVar variation 1714792 (VCV001714792.3), dbSNP rs2476774720, ClinGen allele CA357761093.

ClinVar aggregate classification (germline): Uncertain significance (1 of 4 stars; one submission).

Conditions:
Beta-D-mannosidosis (MANSB). Also called: MANNOSIDOSIS, BETA A, LYSOSOMAL; BETA-MANNOSIDASE DEFICIENCY; LYSOSOMAL BETA-MANNOSIDASE DEFICIENCY; Beta-Mannosidosis. Identifiers: Orphanet 118, MedGen C4048196, MONDO:0009562, OMIM 248510.

Submission:

Labcorp Genetics (formerly Invitae), Labcorp
Classification: Uncertain significance for Beta-D-mannosidosis. Last evaluated: 2022-08-02. Review status: criteria provided, single submitter. Criteria: Invitae Variant Classification Sherloc (09022015). Collection method: clinical testing. Allele origin: germline.
Comment: This sequence change replaces asparagine, which is neutral and polar, with serine, which is neutral and polar, at codon 465 of the MANBA protein (p.Asn465Ser). This variant is not present in population databases (gnomAD no frequency). This variant has not been reported in the literature in individuals affected with MANBA-related conditions. Algorithms developed to predict the effect of missense changes on protein structure and function are either unavailable or do not agree on the potential impact of this missense change (SIFT: "Deleterious"; PolyPhen-2: "Possibly Damaging"; Align-GVGD: "Class C0"). In summary, the available evidence is currently insufficient to determine the role of this variant in disease. Therefore, it has been classified as a Variant of Uncertain Significance.